The following is an entry in ClinVar:

NM_006005.3(WFS1):c.*656C>T

Gene: WFS1 (wolframin ER transmembrane glycoprotein; plus strand). Cytogenetic location: 4p16.1.
Variant type: single nucleotide variant.
Coding change: c.*656C>T on transcript NM_006005.3 (MANE Select); 656 bases downstream of the stop codon, C replaced by T.
Molecular consequence: 3 prime UTR variant.
Genome position (GRCh38, 1-based): chr4:6,303,124, C>T. VCF-style: chr4-6303124-C-T. GRCh37 (hg19) VCF-style: chr4-6304851-C-T.
Other names: c.*656C>T (NM_001145853.1).
Identifiers: ClinVar variation 905451 (VCV000905451.5), dbSNP rs772538455, ClinGen allele CA91798498.

ClinVar aggregate classification (germline): Conflicting classifications of pathogenicity. Review status: criteria provided, conflicting classifications (1 of 4 stars). 3 submissions from 2 submitters: Uncertain significance (2); Benign (1). Last evaluated 2018-01-12.

Conditions:
Autosomal dominant nonsyndromic hearing loss 6 (LFSNHL). Also called: DEAFNESS, AUTOSOMAL DOMINANT 6; DEAFNESS, AUTOSOMAL DOMINANT 14; DEAFNESS, AUTOSOMAL DOMINANT 38; Autosomal dominant nonsyndromic deafness 6; DIDMOAD (Diabetes Insipidus, Diabetes Mellitus, Optic Atrophy, and Deafness). Identifiers: Orphanet 90635, MedGen C1833021, MONDO:0010963, OMIM 600965.
Wolfram syndrome 1 (WFS1). Identifiers: Orphanet 3463, MedGen C4551693, MONDO:0009101, OMIM 222300.
WFS1-Related Spectrum Disorders.

Allele frequency attached by ClinVar (database versions not stated): gnomAD 0.00001.
gnomAD v4.1: 1 of 153,584 alleles (0.00065%); highest among the groups gnomAD compares: Non-Finnish European, 0.0014%; no homozygotes.

Submissions (3):

Illumina Laboratory Services, Illumina
Classification: Uncertain significance for Autosomal dominant nonsyndromic hearing loss 6. Last evaluated: 2018-01-12. Review status: criteria provided, single submitter. Criteria: ICSL Variant Classification Criteria 13 December 2019. Collection method: clinical testing. Allele origin: germline.

Illumina Laboratory Services, Illumina
Classification: Uncertain significance for WFS1-Related Spectrum Disorders. Last evaluated: 2018-01-12. Review status: criteria provided, single submitter. Criteria: ICSL Variant Classification Criteria 13 December 2019. Collection method: clinical testing. Allele origin: germline.

Clinical Genomics, Uppaluri K&H Personalized Medicine Clinic
Classification: Benign for Wolfram syndrome 1. Review status: criteria provided, single submitter. Criteria: K & H Uppaluri Personalized Medicine Clinic Variant Classification & Assertion Criteria_Updated V.1. Collection method: research. Allele origin: unknown. Inheritance: Autosomal recessive inheritance.
Comment: Potent mutations in WFS1 gene are associated with Wolfram's syndrome, an autosomal recessive condition, which cause diabetes mellitus, diabetes insipidus, deafness and optic atrophy.However no sufficient evidence is found to ascertain the role of this particular variant rs772538455 in Wolfram's syndrome yet.

Literature cited by the submitters: PubMed 20738327 (cited by Clinical Genomics, Uppaluri K&H Personalized Medicine Clinic); PubMed 33879153 (cited by Clinical Genomics, Uppaluri K&H Personalized Medicine Clinic); PubMed 12955714 (cited by Clinical Genomics, Uppaluri K&H Personalized Medicine Clinic); PubMed 18060660 (cited by Clinical Genomics, Uppaluri K&H Personalized Medicine Clinic); PubMed 20301750 (cited by Clinical Genomics, Uppaluri K&H Personalized Medicine Clinic); PubMed 17603484 (cited by Clinical Genomics, Uppaluri K&H Personalized Medicine Clinic).